The following is an entry in ClinVar:

NM_000310.4(PPT1):c.184A>C (p.Ile62Leu)

Gene: PPT1 (palmitoyl-protein thioesterase 1; minus strand). Cytogenetic location: 1p34.2.
Variant type: single nucleotide variant.
Coding change: c.184A>C on transcript NM_000310.4 (MANE Select); coding-DNA position 184, A replaced by C.
Protein change: p.Ile62Leu; replaces isoleucine 62 with leucine.
Molecular consequence: missense variant. On other transcripts: intron variant (1).
Genome position (GRCh38, 1-based): chr1:40,092,448, T>G on the plus strand (A>C on the coding strand, the complement: PPT1 is on the minus strand). VCF-style: chr1-40092448-T-G. GRCh37 (hg19) VCF-style: chr1-40558120-T-G.
Other names: c.184A>C, p.Ile62Leu (NM_001363695.2); c.125-2936A>C (NM_001142604.2); short protein forms I62L.
Identifiers: ClinVar variation 3382535 (VCV003382535.2).

ClinVar aggregate classification (germline): Uncertain significance (1 of 4 stars; one submission).

Conditions:
Neuronal ceroid lipofuscinosis 1 (CLN1). Also called: PPT1-Related Neuronal Ceroid-Lipofuscinosis; CEROID LIPOFUSCINOSIS, NEURONAL, 1, VARIABLE AGE AT ONSET. Identifiers: Orphanet 228329, MedGen C1850451, MONDO:0009744, OMIM 256730.

gnomAD v4.1: 34 of 1,614,034 alleles (0.0021%); highest among the groups gnomAD compares: South Asian, 0.036%; 1 homozygote.

Submission:

Juno Genomics, Hangzhou Juno Genomics, Inc
Classification: Uncertain significance for Neuronal ceroid lipofuscinosis 1. Review status: criteria provided, single submitter. Criteria: ACMG Guidelines, 2015. Collection method: clinical testing. Allele origin: germline. Affected: yes.
Comment: Absent from controls (or at extremely low frequency if recessive) in Genome Aggregation Database, Exome Sequencing Project, 1000 Genomes Project, or Exome Aggregation Consortium.